The following is an entry in ClinVar:

NM_015909.4(NBAS):c.5363T>C (p.Leu1788Pro)

Gene: NBAS (NBAS subunit of NRZ tethering complex; minus strand). Cytogenetic location: 2p24.3.
Variant type: single nucleotide variant.
Coding change: c.5363T>C on transcript NM_015909.4 (MANE Select); coding-DNA position 5363, T replaced by C.
Protein change: p.Leu1788Pro; replaces leucine 1788 with proline.
Molecular consequence: missense variant. On other transcripts: non-coding transcript variant (1).
Genome position (GRCh38, 1-based): chr2:15,276,877, A>G on the plus strand (T>C on the coding strand, the complement: NBAS is on the minus strand). VCF-style: chr2-15276877-A-G. GRCh37 (hg19) VCF-style: chr2-15417001-A-G.
Other names: short protein forms L1788P.
Identifiers: ClinVar variation 2072825 (VCV002072825.3), dbSNP rs138943346, ClinGen allele CA42601563.

ClinVar aggregate classification (germline): Uncertain significance (1 of 4 stars; one submission).

Allele frequency attached by ClinVar (database versions not stated): gnomAD 0.00001; ESP Exome Variant Server 0.00008; gnomAD exomes below 0.00001; TOPMed 0.00001.
gnomAD v4.1: 2 of 1,613,976 alleles (0.00012%); highest among the groups gnomAD compares: African/African-American, 0.0013%; no homozygotes.

Submission:

Labcorp Genetics (formerly Invitae), Labcorp
Classification: Uncertain significance. Last evaluated: 2024-02-23. Review status: criteria provided, single submitter. Criteria: Invitae Variant Classification Sherloc (09022015). Collection method: clinical testing. Allele origin: germline.
Comment: This sequence change replaces leucine, which is neutral and non-polar, with proline, which is neutral and non-polar, at codon 1788 of the NBAS protein (p.Leu1788Pro). This variant is not present in population databases (gnomAD no frequency). This variant has not been reported in the literature in individuals affected with NBAS-related conditions. ClinVar contains an entry for this variant (Variation ID: 2072825). Advanced modeling of protein sequence and biophysical properties (such as structural, functional, and spatial information, amino acid conservation, physicochemical variation, residue mobility, and thermodynamic stability) has been performed at Invitae for this missense variant, however the output from this modeling did not meet the statistical confidence thresholds required to predict the impact of this variant on NBAS protein function. In summary, the available evidence is currently insufficient to determine the role of this variant in disease. Therefore, it has been classified as a Variant of Uncertain Significance.